The following is an entry in ClinVar:

ClinVar aggregate classification (germline): Uncertain significance (1 of 4 stars; one submission).

Allele frequency attached by ClinVar (database versions not stated): TOPMed below 0.00001; ExAC 0.00001.

Submission:

Labcorp Genetics (formerly Invitae), Labcorp
Classification: Uncertain significance. Last evaluated: 2022-12-14. Review status: criteria provided, single submitter. Criteria: Invitae Variant Classification Sherloc (09022015). Collection method: clinical testing. Allele origin: germline.
Comment: Algorithms developed to predict the effect of missense changes on protein structure and function (SIFT, PolyPhen-2, Align-GVGD) all suggest that this variant is likely to be tolerated. This variant has not been reported in the literature in individuals affected with LRRC8A-related conditions. This variant is present in population databases (rs778757258, gnomAD 0.01%). This sequence change replaces proline, which is neutral and non-polar, with leucine, which is neutral and non-polar, at codon 185 of the LRRC8A protein (p.Pro185Leu). In summary, the available evidence is currently insufficient to determine the role of this variant in disease. Therefore, it has been classified as a Variant of Uncertain Significance.

NM_019594.4(LRRC8A):c.554C>T (p.Pro185Leu)

Gene: LRRC8A (leucine rich repeat containing 8 VRAC subunit A; plus strand). Cytogenetic location: 9q34.11.
Variant type: single nucleotide variant.
Coding change: c.554C>T on transcript NM_019594.4 (MANE Select); coding-DNA position 554, C replaced by T.
Protein change: p.Pro185Leu; replaces proline 185 with leucine.
Molecular consequence: missense variant.
Genome position (GRCh38, 1-based): chr9:128,907,718, C>T. VCF-style: chr9-128907718-C-T. GRCh37 (hg19) VCF-style: chr9-131669997-C-T.
Other names: c.554C>T, p.Pro185Leu (NM_001127244.2, NM_001127245.2); short protein forms P185L.
Identifiers: ClinVar variation 2997067 (VCV002997067.3), dbSNP rs778757258, ClinGen allele CA5270729.
Genomic context (GRCh38, chr9:128,907,718, plus strand): 5'-ACTCGCCCTGGACCACGAGGGCCCTGTCGGAGACAGTGGTGGAGGAGAGCGACCCCAAGC[C>T]GGCCTTCAGCAAGATGAATGGGTCCATGGACAAAAAGTCATCGACCGTCAGTGAGGACGT-3'
Protein context (NP_062540.2, residues 175-195): ETVVEESDPK[Pro185Leu]AFSKMNGSMD